The following is an entry in ClinVar:

ClinVar aggregate classification (germline): Uncertain significance (1 of 4 stars; one submission).

Conditions:
Usher syndrome type 3B. Also called: USHER SYNDROME, TYPE IIIB. Identifiers: MedGen C3281066, MONDO:0013788, OMIM 614504.

Submission:

Labcorp Genetics (formerly Invitae), Labcorp
Classification: Uncertain significance for Usher syndrome type 3B. Last evaluated: 2023-08-23. Review status: criteria provided, single submitter. Criteria: Invitae Variant Classification Sherloc (09022015). Collection method: clinical testing. Allele origin: germline.
Comment: This sequence change replaces threonine, which is neutral and polar, with alanine, which is neutral and non-polar, at codon 409 of the HARS protein (p.Thr409Ala). This variant is not present in population databases (gnomAD no frequency). This variant has not been reported in the literature in individuals affected with HARS-related conditions. Advanced modeling of protein sequence and biophysical properties (such as structural, functional, and spatial information, amino acid conservation, physicochemical variation, residue mobility, and thermodynamic stability) performed at Invitae indicates that this missense variant is not expected to disrupt HARS protein function. In summary, the available evidence is currently insufficient to determine the role of this variant in disease. Therefore, it has been classified as a Variant of Uncertain Significance.

NM_002109.6(HARS1):c.1225A>G (p.Thr409Ala)

Gene: HARS1 (histidyl-tRNA synthetase 1; minus strand). Cytogenetic location: 5q31.3.
Variant type: single nucleotide variant.
Coding change: c.1225A>G on transcript NM_002109.6 (MANE Select); coding-DNA position 1225, A replaced by G.
Protein change: p.Thr409Ala; replaces threonine 409 with alanine.
Molecular consequence: missense variant.
Genome position (GRCh38, 1-based): chr5:140,675,103, T>C on the plus strand (A>G on the coding strand, the complement: HARS1 is on the minus strand). VCF-style: chr5-140675103-T-C. GRCh37 (hg19) VCF-style: chr5-140054688-T-C.
Other names: c.1105A>G, p.Thr369Ala (NM_001258040.3); c.1165A>G, p.Thr389Ala (NM_001258041.3); c.1045A>G, p.Thr349Ala (NM_001258042.3); c.1003A>G, p.Thr335Ala (NM_001289092.2); c.883A>G, p.Thr295Ala (NM_001289093.2); c.1138A>G, p.Thr380Ala (NM_001289094.2); short protein forms T335A, T349A, T409A, T369A, T380A, T295A, T389A.
Identifiers: ClinVar variation 2753314 (VCV002753314.3), dbSNP rs2481236081, ClinGen allele CA361248741.
Genomic context (GRCh38, chr5:140,675,103, plus strand): 5'-AGACAAGCTTTAGTCTTTCCTCTAGCAGCTTCTTCTGTGCAGATGCCACAAGCACCTGTG[T>C]CTCCGTGGTCCGTATCTTCTCCTCCAAAGCCTGGGGAAGGGGCAGATAAAAGAGAGCTGG-3'
Protein context (NP_002100.2, residues 399-419): ALEEKIRTTE[Thr409Ala]QVLVASAQKK